The following is an entry in ClinVar:

ClinVar aggregate classification (germline): Uncertain significance (1 of 4 stars; one submission).

Submission:

Labcorp Genetics (formerly Invitae), Labcorp
Classification: Uncertain significance. Last evaluated: 2025-04-07. Review status: criteria provided, single submitter. Criteria: Invitae Variant Classification Sherloc (09022015). Collection method: clinical testing. Allele origin: germline.
Comment: This sequence change replaces aspartic acid, which is acidic and polar, with glutamic acid, which is acidic and polar, at codon 2003 of the NBAS protein (p.Asp2003Glu). This variant is not present in population databases (gnomAD no frequency). This variant has not been reported in the literature in individuals affected with NBAS-related conditions. ClinVar contains an entry for this variant (Variation ID: 1489180). Invitae Evidence Modeling of protein sequence and biophysical properties (such as structural, functional, and spatial information, amino acid conservation, physicochemical variation, residue mobility, and thermodynamic stability) indicates that this missense variant is not expected to disrupt NBAS protein function with a negative predictive value of 95%. In summary, the available evidence is currently insufficient to determine the role of this variant in disease. Therefore, it has been classified as a Variant of Uncertain Significance.

NM_015909.4(NBAS):c.6009T>G (p.Asp2003Glu)

Gene: NBAS (NBAS subunit of NRZ tethering complex; minus strand). Cytogenetic location: 2p24.3.
Variant type: single nucleotide variant.
Coding change: c.6009T>G on transcript NM_015909.4 (MANE Select); coding-DNA position 6009, T replaced by G.
Protein change: p.Asp2003Glu; replaces aspartic acid 2003 with glutamic acid.
Molecular consequence: missense variant. On other transcripts: non-coding transcript variant (1).
Genome position (GRCh38, 1-based): chr2:15,234,682, A>C on the plus strand (T>G on the coding strand, the complement: NBAS is on the minus strand). VCF-style: chr2-15234682-A-C. GRCh37 (hg19) VCF-style: chr2-15374806-A-C.
Other names: short protein forms D2003E.
Identifiers: ClinVar variation 1489180 (VCV001489180.6), dbSNP rs143223605, ClinGen allele CA345888941.